The following is an entry in ClinVar:

ClinVar aggregate classification (germline): Uncertain significance (1 of 4 stars; one submission).

Conditions:
C1QTNF5-related disorder. Also called: C1QTNF5-related condition.

Submission:

PreventionGenetics, part of Exact Sciences
Classification: Uncertain significance for C1QTNF5-related condition. Last evaluated: 2026-04-20. Review status: criteria provided, single submitter. Criteria: ACMG Guidelines, 2015. Collection method: clinical testing. Allele origin: germline.
Comment: The C1QTNF5 c.583delG variant is predicted to result in a frameshift and premature protein termination (p.Ala195Profs*3). To our knowledge, this variant has not been reported in the literature. This variant is reported in 0.019% of alleles in individuals of African descent in gnomAD. Loss of function is not an established mechanism of C1QTNF5-related disease. At this time, the clinical significance of this variant is uncertain due to the absence of conclusive functional and genetic evidence.

NM_001278431.2(C1QTNF5):c.583del (p.Ala195fs)

Genes: C1QTNF5 (C1q and TNF related 5; minus strand), MFRP (membrane frizzled-related protein; minus strand). Cytogenetic location: 11q23.3.
Variant type: Deletion.
Coding change: c.583del on transcript NM_001278431.2 (MANE Select); coding-DNA position 583, one base deleted (G; older notation c.583delG).
Protein change: p.Ala195fs; shifts the reading frame from alanine 195.
Molecular consequence: frameshift variant. On other transcripts: 3 prime UTR variant (1).
Genome position (GRCh38, 1-based): chr11:119,339,480, C deleted on the plus strand (G on the coding strand, the reverse complement: C1QTNF5 is on the minus strand); the first of 8 consecutive C bases (chr11:119,339,480-119,339,487); deleting any one gives the same sequence. VCF-style (leftmost placement, unchanged base first): chr11-119339479-GC-G. GRCh37 (hg19) VCF-style: chr11-119210189-GC-G.
Other names: c.583delG (NM_001278431.1); c.583del, p.Ala195fs (NM_015645.5); c.*1479del (NM_031433.4); short protein forms A195fs.
Identifiers: ClinVar variation 4982229 (VCV004982229.1), dbSNP rs369839371.
Genomic context (GRCh38, chr11:119,339,479, plus strand): 5'-ATGTAGTCACCCACACCCACCTGCACCCACACTTGGTCCTCAGGCTCCAGCCTCACCATG[GC>G]CCCCCCCGAGAGCGAGGCTGGCTTGGGCCACCCCCCGAAAAACTGGAAGAAAGAGGCAAT-3'